The following is an entry in ClinVar:

NM_182914.3(SYNE2):c.13840C>G (p.Leu4614Val)

Gene: SYNE2 (spectrin repeat containing nuclear envelope protein 2; plus strand). Cytogenetic location: 14q23.2.
Variant type: single nucleotide variant.
Coding change: c.13840C>G on transcript NM_182914.3 (MANE Select); coding-DNA position 13840, C replaced by G.
Protein change: p.Leu4614Val; replaces leucine 4614 with valine.
Molecular consequence: missense variant.
Genome position (GRCh38, 1-based): chr14:64,126,730, C>G. VCF-style: chr14-64126730-C-G. GRCh37 (hg19) VCF-style: chr14-64593448-C-G.
Other names: c.13840C>G, p.Leu4614Val (NM_015180.6); short protein forms L4614V.
Identifiers: ClinVar variation 3668260 (VCV003668260.2).

ClinVar aggregate classification (germline): Uncertain significance (1 of 4 stars; one submission).

Conditions:
Emery-Dreifuss muscular dystrophy 5, autosomal dominant (EDMD5). Also called: EMERY-DREIFUSS MUSCULAR DYSTROPHY 5. Identifiers: Orphanet 261, MedGen C2751805, MONDO:0013072, OMIM 612999.

gnomAD v4.1: 32 of 1,614,058 alleles (0.002%); highest among the groups gnomAD compares: Non-Finnish European, 0.0025%; no homozygotes.

Submission:

Labcorp Genetics (formerly Invitae), Labcorp
Classification: Uncertain significance for Emery-Dreifuss muscular dystrophy 5, autosomal dominant. Last evaluated: 2024-07-20. Review status: criteria provided, single submitter. Criteria: Invitae Variant Classification Sherloc (09022015). Collection method: clinical testing. Allele origin: germline.
Comment: This sequence change replaces leucine, which is neutral and non-polar, with valine, which is neutral and non-polar, at codon 4614 of the SYNE2 protein (p.Leu4614Val). This variant is present in population databases (rs752726984, gnomAD 0.003%). This variant has not been reported in the literature in individuals affected with SYNE2-related conditions. An algorithm developed to predict the effect of missense changes on protein structure and function (PolyPhen-2) suggests that this variant is likely to be disruptive. In summary, the available evidence is currently insufficient to determine the role of this variant in disease. Therefore, it has been classified as a Variant of Uncertain Significance.